The following is an entry in ClinVar:

NM_006012.4(CLPP):c.-5G>A

Gene: CLPP (caseinolytic mitochondrial matrix peptidase proteolytic subunit; plus strand). Cytogenetic location: 19p13.3.
Variant type: single nucleotide variant.
Coding change: c.-5G>A on transcript NM_006012.4 (MANE Select); 5 bases upstream of the start codon, G replaced by A.
Molecular consequence: 5 prime UTR variant.
Genome position (GRCh38, 1-based): chr19:6,361,570, G>A. VCF-style: chr19-6361570-G-A. GRCh37 (hg19) VCF-style: chr19-6361581-G-A.
Identifiers: ClinVar variation 226522 (VCV000226522.13), dbSNP rs75589928, ClinGen allele CA9122765.

ClinVar aggregate classification (germline): Benign. Review status: criteria provided, multiple submitters, no conflicts (2 of 4 stars). 6 submissions from 6 submitters: Benign (5). 1 of the submissions does not count toward it. Last evaluated 2021-07-22.

Conditions:
Perrault syndrome 3 (PRLTS3). Identifiers: Orphanet 2855, MedGen C3808414, MONDO:0013588, OMIM 614129.

Allele frequency attached by ClinVar (database versions not stated): gnomAD exomes 0.01999 and 0.02012; ESP Exome Variant Server 0.04636; 1000 Genomes Project 0.04712; gnomAD 0.05119 and 0.05394; 1000 Genomes Project 30x 0.05137; TOPMed 0.05474; ExAC 0.09533.
gnomAD v4.1: 32,855 of 1,398,188 alleles (2.3%); highest among the groups gnomAD compares: African/African-American, 14%; 914 homozygotes.

Submissions (6):

Genome-Nilou Lab
Classification: Benign for Perrault syndrome 3. Last evaluated: 2021-07-22. Review status: criteria provided, single submitter. Criteria: ACMG Guidelines, 2015. Collection method: clinical testing. Allele origin: germline. Affected: no.

Athena Diagnostics
Classification: Benign. Last evaluated: 2018-05-24. Review status: criteria provided, single submitter. Criteria: Athena Diagnostics Criteria. Collection method: clinical testing. Allele origin: germline.

GeneDx
Classification: Benign. Last evaluated: 2017-05-09. Review status: criteria provided, single submitter. Criteria: GeneDx Variant Classification (06012015). Collection method: clinical testing. Allele origin: germline. Affected: yes.
Comment: This variant is considered likely benign or benign based on one or more of the following criteria: it is a conservative change, it occurs at a poorly conserved position in the protein, it is predicted to be benign by multiple in silico algorithms, and/or has population frequency not consistent with disease.

Laboratory for Molecular Medicine, Mass General Brigham Personalized Medicine
Classification: Benign. Last evaluated: 2014-11-24. Review status: criteria provided, single submitter. Criteria: LMM Criteria. Collection method: clinical testing. Allele origin: germline. Observed: 53 variant alleles.
Comment: -5G>A in exon 1 of CLPP: This variant is not expected to have clinical significa nce because it has been identified in 10.8% (455/4208) of African American chrom osomes from a broad population by the NHLBI Exome Sequencing Project (.; dbSNP rs75589928).

Breakthrough Genomics
Classification: Benign. Review status: criteria provided, single submitter. Criteria: ACMG Guidelines, 2015. Collection method: not provided. Allele origin: germline. Inheritance: Autosomal recessive inheritance. Affected: yes.

Mayo Clinic Laboratories, Mayo Clinic
Classification: Benign. Last evaluated: 2016-02-24. Review status: no assertion criteria provided. Collection method: clinical testing. Allele origin: unknown. Not counted in ClinVar's aggregate classification.